The following is an entry in ClinVar:

ClinVar aggregate classification (germline): Uncertain significance (1 of 4 stars; one submission).

Conditions:
Cataract 3 multiple types. Also called: CATARACT 3, MULTIPLE TYPES, WITH OR WITHOUT MICROCORNEA. Identifiers: Orphanet 1377, MedGen C1832175, MONDO:0011104, OMIM 601547.

Allele frequency attached by ClinVar (database versions not stated): ExAC 0.00001; gnomAD 0.00001 and 0.00003; gnomAD exomes 0.00001; TOPMed 0.00001.

Submission:

Centre for Mendelian Genomics, University Medical Centre Ljubljana
Classification: Uncertain significance for Cataract 3 multiple types. Last evaluated: 2016-01-01. Review status: criteria provided, single submitter. Criteria: ACMG Guidelines, 2015. Collection method: clinical testing. Allele origin: unknown. Affected: yes.
Comment: This variant was classified as: Uncertain significance. The following ACMG criteria were applied in classifying this variant: PP3.

NM_000496.3(CRYBB2):c.472G>A (p.Gly158Ser)

Gene: CRYBB2 (crystallin beta B2; plus strand). Cytogenetic location: 22q11.23.
Variant type: single nucleotide variant.
Coding change: c.472G>A on transcript NM_000496.3 (MANE Select); coding-DNA position 472, G replaced by A.
Protein change: p.Gly158Ser; replaces glycine 158 with serine.
Molecular consequence: missense variant.
Genome position (GRCh38, 1-based): chr22:25,231,626, G>A. VCF-style: chr22-25231626-G-A. GRCh37 (hg19) VCF-style: chr22-25627593-G-A.
Other names: short protein forms G158S.
Identifiers: ClinVar variation 930402 (VCV000930402.3), dbSNP rs539443672, ClinGen allele CA10158044.
Genomic context (GRCh38, chr22:25,231,626, plus strand): 5'-CCCCCTCGTTCACCCTCCCATCACCTCTGGCCCTGCAGGTGGGTTGGCTACCAGTACCCC[G>A]GCTACCGTGGGCTGCAGTACCTGCTGGAGAAGGGAGACTACAAGGACAGCAGCGACTTTG-3'
Protein context (NP_000487.1, residues 148-168): SGTWVGYQYP[Gly158Ser]YRGLQYLLEK